The following is an entry in ClinVar:

ClinVar aggregate classification (germline): Benign (0 of 4 stars; one submission).

Conditions:
PLXNA4-related disorder. Also called: PLXNA4-related condition.

Allele frequency attached by ClinVar (database versions not stated): 1000 Genomes Project 30x 0.65490; 1000 Genomes Project 0.66853; TOPMed 0.67539; gnomAD 0.69629; ESP Exome Variant Server 0.69757; ExAC 0.73780; gnomAD exomes 0.75729.
gnomAD v4.1: 1,211,716 of 1,613,362 alleles (75%); highest among the groups gnomAD compares: East Asian, 81%; 458,905 homozygotes.

Submission:

PreventionGenetics, part of Exact Sciences
Classification: Benign for PLXNA4-related condition. Last evaluated: 2022-07-19. Review status: no assertion criteria provided. Collection method: clinical testing. Allele origin: germline.
Comment: This variant is classified as benign based on ACMG/AMP sequence variant interpretation guidelines (Richards et al. 2015 PMID: 25741868, with internal and published modifications).

NM_020911.2(PLXNA4):c.5590-10C>T

Gene: PLXNA4 (plexin A4; minus strand). Cytogenetic location: 7q32.3.
Variant type: single nucleotide variant.
Coding change: c.5590-10C>T on transcript NM_020911.2 (MANE Select); 10 bases into the intron before coding-DNA position 5590, C replaced by T.
Molecular consequence: intron variant.
Genome position (GRCh38, 1-based): chr7:132,130,584, G>A on the plus strand (C>T on the coding strand, the complement: PLXNA4 is on the minus strand). VCF-style: chr7-132130584-G-A. GRCh37 (hg19) VCF-style: chr7-131815343-G-A.
Other names: c.5590-10C>T (NM_001393897.1).
Identifiers: ClinVar variation 3060928 (VCV003060928.2), dbSNP rs10954361, ClinGen allele CA4488846.
Genomic context (GRCh38, chr7:132,130,584, plus strand): 5'-GGCCAGTTTCTGCTTCCCACACTGGTCATCGTGGTCCAGAGGTCCAAGGATCTGCGGAAG[G>A]GCCAAGAACAGGGAGATTACTCATTTGTGTGTACAGGTCTGTGTTCTCAGGAGGCACAAA-3'